The following is an entry in ClinVar:

ClinVar aggregate classification (germline): Uncertain significance (1 of 4 stars; one submission).

Conditions:
T-cell immunodeficiency, congenital alopecia, and nail dystrophy. Also called: Congenital alopecia and nail dystrophy associated with severe functional T-cell immunodeficiency; Pignata Guarino syndrome. Identifiers: Orphanet 169095, MedGen C1866426, MONDO:0011132, OMIM 601705.

Submission:

Labcorp Genetics (formerly Invitae), Labcorp
Classification: Uncertain significance for T-cell immunodeficiency, congenital alopecia, and nail dystrophy. Last evaluated: 2025-10-02. Review status: criteria provided, single submitter. Criteria: Invitae Variant Classification Sherloc (09022015). Collection method: clinical testing. Allele origin: germline.
Comment: This sequence change replaces glutamic acid, which is acidic and polar, with valine, which is neutral and non-polar, at codon 199 of the FOXN1 protein (p.Glu199Val). This variant is not present in population databases (gnomAD no frequency). This variant has not been reported in the literature in individuals affected with FOXN1-related conditions. ClinVar contains an entry for this variant (Variation ID: 2835489). Invitae Evidence Modeling of protein sequence and biophysical properties (such as structural, functional, and spatial information, amino acid conservation, physicochemical variation, residue mobility, and thermodynamic stability) indicates that this missense variant is not expected to disrupt FOXN1 protein function with a negative predictive value of 80%. In summary, the available evidence is currently insufficient to determine the role of this variant in disease. Therefore, it has been classified as a Variant of Uncertain Significance.

NM_001369369.1(FOXN1):c.596A>T (p.Glu199Val)

Gene: FOXN1 (forkhead box N1; plus strand). Cytogenetic location: 17q11.2.
Variant type: single nucleotide variant.
Coding change: c.596A>T on transcript NM_001369369.1 (MANE Select); coding-DNA position 596, A replaced by T.
Protein change: p.Glu199Val; replaces glutamic acid 199 with valine.
Molecular consequence: missense variant.
Genome position (GRCh38, 1-based): chr17:28,527,258, A>T. VCF-style: chr17-28527258-A-T. GRCh37 (hg19) VCF-style: chr17-26854276-A-T.
Other names: c.596A>T, p.Glu199Val (NM_003593.3); short protein forms E199V.
Identifiers: ClinVar variation 2835489 (VCV002835489.3), dbSNP rs2508375884, ClinGen allele CA398322153.